The following is an entry in ClinVar:

NM_152383.5(DIS3L2):c.1660-3C>T

Gene: DIS3L2 (DIS3 like 3'-5' exoribonuclease 2; plus strand). Cytogenetic location: 2q37.1.
Variant type: single nucleotide variant.
Coding change: c.1660-3C>T on transcript NM_152383.5 (MANE Select); 3 bases into the intron before coding-DNA position 1660, C replaced by T.
Molecular consequence: intron variant.
Genome position (GRCh38, 1-based): chr2:232,300,037, C>T. VCF-style: chr2-232300037-C-T. GRCh37 (hg19) VCF-style: chr2-233164747-C-T.
Other names: c.1581+36675C>T (NM_001257281.2).
Identifiers: ClinVar variation 2834333 (VCV002834333.3), dbSNP rs780045314, ClinGen allele CA2739280099.

ClinVar aggregate classification (germline): Uncertain significance (1 of 4 stars; one submission).

Conditions:
Perlman syndrome (PRLMNS). Identifiers: Orphanet 2849, MedGen C0796113, MONDO:0009965, OMIM 267000.

Submission:

Labcorp Genetics (formerly Invitae), Labcorp
Classification: Uncertain significance for Perlman syndrome. Last evaluated: 2023-05-18. Review status: criteria provided, single submitter. Criteria: Invitae Variant Classification Sherloc (09022015). Collection method: clinical testing. Allele origin: germline.
Comment: In summary, the available evidence is currently insufficient to determine the role of this variant in disease. Therefore, it has been classified as a Variant of Uncertain Significance. Variants that disrupt the consensus splice site are a relatively common cause of aberrant splicing (PMID: 17576681, 9536098). Algorithms developed to predict the effect of sequence changes on RNA splicing suggest that this variant is not likely to affect RNA splicing. This variant has not been reported in the literature in individuals affected with DIS3L2-related conditions. This variant is not present in population databases (gnomAD no frequency). This sequence change falls in intron 13 of the DIS3L2 gene. It does not directly change the encoded amino acid sequence of the DIS3L2 protein. It affects a nucleotide within the consensus splice site.

Literature cited by the submitters: PubMed 17576681; PubMed 9536098.